The following is an entry in ClinVar:

ClinVar aggregate classification (germline): Benign/Likely benign. Review status: criteria provided, multiple submitters, no conflicts (2 of 4 stars). 3 submissions from 3 submitters: Benign (1); Likely benign (1). 1 of the submissions does not count toward it. Last evaluated 2024-11-08.

Conditions:
TRPM3-related disorder. Also called: TRPM3-related condition.

Allele frequency attached by ClinVar (database versions not stated): ESP Exome Variant Server 0.00046; ExAC 0.00049; TOPMed 0.00067; gnomAD 0.00073; gnomAD exomes 0.00094.
gnomAD v4.1: 1,464 of 1,613,274 alleles (0.091%); highest among the groups gnomAD compares: Non-Finnish European, 0.12%; 4 homozygotes.

Submissions (3):

Blueprint Genetics
Classification: Likely benign. Last evaluated: 2024-11-08. Review status: criteria provided, single submitter. Criteria: ACMG Guidelines, 2015. Collection method: clinical testing. Allele origin: germline.

CeGaT Center for Human Genetics Tuebingen
Classification: Benign. Last evaluated: 2022-09-01. Review status: criteria provided, single submitter. Criteria: CeGaT Center For Human Genetics Tuebingen Variant Classification Criteria Version 2. Collection method: clinical testing. Allele origin: germline. Affected: yes. Observed: 1 variant allele.
Comment: TRPM3: BS1, BS2

PreventionGenetics, part of Exact Sciences
Classification: Likely benign for TRPM3-related condition. Last evaluated: 2019-06-14. Review status: no assertion criteria provided. Collection method: clinical testing. Allele origin: germline. Not counted in ClinVar's aggregate classification.
Comment: This variant is classified as likely benign based on ACMG/AMP sequence variant interpretation guidelines (Richards et al. 2015 PMID: 25741868, with internal and published modifications).

NM_001366145.2(TRPM3):c.456A>G (p.Lys152=)

Gene: TRPM3 (transient receptor potential cation channel subfamily M member 3; minus strand). Cytogenetic location: 9q21.12.
Variant type: single nucleotide variant.
Coding change: c.456A>G on transcript NM_001366145.2 (MANE Select); coding-DNA position 456, A replaced by G.
Protein change: p.Lys152=; no amino-acid change (lysine 152 retained).
Molecular consequence: synonymous variant. On other transcripts: 5 prime UTR variant (9).
Genome position (GRCh38, 1-based): chr9:70,862,914, T>C on the plus strand (A>G on the coding strand, the complement: TRPM3 is on the minus strand). VCF-style: chr9-70862914-T-C. GRCh37 (hg19) VCF-style: chr9-73477830-T-C.
Other names: c.456A>G, p.Lys152= (NM_001366152.2, NM_001366153.2, NM_001007471.4 and 6 more transcripts); c.-4A>G (NM_001366154.2, NM_020952.6, NM_024971.7 and 6 more transcripts); c.462A>G, p.Lys154= (NM_001366141.2, NM_001366142.2, NM_001366143.2 and 1 more transcripts); c.456A>G (NM_001366147.1).
Identifiers: ClinVar variation 2659252 (VCV002659252.26), dbSNP rs140494112, ClinGen allele CA5078967.